The following is an entry in ClinVar:

ClinVar aggregate classification (germline): Conflicting classifications of pathogenicity. Review status: criteria provided, conflicting classifications (1 of 4 stars). 3 submissions from 3 submitters: Uncertain significance (1); Benign (1); Likely benign (1). Last evaluated 2026-01-07.

Conditions:
Hereditary spastic paraplegia 48. Also called: Spastic paraplegia 48; SPASTIC PARAPLEGIA 48, AUTOSOMAL RECESSIVE. Identifiers: Orphanet 306511, MedGen C3150901, MONDO:0013342, OMIM 613647.

Allele frequency attached by ClinVar (database versions not stated): gnomAD exomes 0.00007 and 0.00015; 1000 Genomes Project 30x 0.00031; ExAC 0.00038; 1000 Genomes Project 0.00040; ESP Exome Variant Server 0.00050; gnomAD 0.00054 and 0.00060; TOPMed 0.00062.
gnomAD v4.1: 186 of 1,590,568 alleles (0.012%); highest among the groups gnomAD compares: African/African-American, 0.21%; no homozygotes.

Submissions (3):

Labcorp Genetics (formerly Invitae), Labcorp
Classification: Likely benign for Hereditary spastic paraplegia 48. Last evaluated: 2026-01-07. Review status: criteria provided, single submitter. Criteria: Invitae Variant Classification Sherloc (09022015). Collection method: clinical testing. Allele origin: germline.

Athena Diagnostics
Classification: Benign. Last evaluated: 2025-06-19. Review status: criteria provided, single submitter. Criteria: Athena Diagnostics Criteria. Collection method: clinical testing. Allele origin: unknown.
Comment: The frequency of this variant in the general population is higher than would generally be expected for pathogenic variants in this gene. Computational tools yielded predictions that this variant is unlikely to have an effect on normal RNA splicing. This nucleotide position exhibits low evolutionary conservation.

Illumina Laboratory Services, Illumina
Classification: Uncertain significance for Hereditary spastic paraplegia 48. Last evaluated: 2018-01-13. Review status: criteria provided, single submitter. Criteria: ICSL Variant Classification Criteria 13 December 2019. Collection method: clinical testing. Allele origin: germline.

NM_014855.3(AP5Z1):c.1584C>T (p.Gly528=)

Gene: AP5Z1 (adaptor related protein complex 5 subunit zeta 1; plus strand). Cytogenetic location: 7p22.1.
Variant type: single nucleotide variant.
Coding change: c.1584C>T on transcript NM_014855.3 (MANE Select); coding-DNA position 1584, C replaced by T.
Protein change: p.Gly528=; no amino-acid change (glycine 528 retained).
Molecular consequence: synonymous variant. On other transcripts: non-coding transcript variant (1).
Genome position (GRCh38, 1-based): chr7:4,788,283, C>T. VCF-style: chr7-4788283-C-T. GRCh37 (hg19) VCF-style: chr7-4827914-C-T.
Other names: c.1116C>T, p.Gly372= (NM_001364858.1).
Identifiers: ClinVar variation 695900 (VCV000695900.13), dbSNP rs377310579, ClinGen allele CA4137881.
Genomic context (GRCh38, chr7:4,788,283, plus strand): 5'-CTTCCGGGACCCGCAGTTCCAGGGTCTTTTCCAATACCTGCTGCGCCCCAAGGCCAGTGG[C>T]GCCACTGAGAGGTACGGGGCCCTAGGGCCAGGGGGCCACCAGTGGCTCAGAGAGCCCGGC-3'
Protein context (NP_055670.1, residues 518-538): FQYLLRPKAS[Gly528=]ATERLAPLHQ